The following is an entry in ClinVar:

ClinVar aggregate classification (germline): Uncertain significance (1 of 4 stars; one submission).

Submission:

Mayo Clinic Laboratories, Mayo Clinic
Classification: Uncertain significance. Last evaluated: 2024-01-31. Review status: criteria provided, single submitter. Criteria: ACMG Guidelines, 2015. Collection method: clinical testing. Allele origin: germline. Observed: 1 variant allele.
Comment: PM2

NM_007098.4(CLTCL1):c.209G>C (p.Ser70Thr)

Gene: CLTCL1 (clathrin heavy chain like 1; minus strand). Cytogenetic location: 22q11.21.
Variant type: single nucleotide variant.
Coding change: c.209G>C on transcript NM_007098.4 (MANE Select); coding-DNA position 209, G replaced by C.
Protein change: p.Ser70Thr; replaces serine 70 with threonine.
Molecular consequence: missense variant.
Genome position (GRCh38, 1-based): chr22:19,275,664, C>G on the plus strand (G>C on the coding strand, the complement: CLTCL1 is on the minus strand). VCF-style: chr22-19275664-C-G. GRCh37 (hg19) VCF-style: chr22-19263187-C-G.
Other names: p.Ser70Thr; c.209G>C, p.Ser70Thr (NM_001835.4); short protein forms S70T.
Identifiers: ClinVar variation 3380693 (VCV003380693.1).